The following is an entry in ClinVar:

NM_031263.4(HNRNPK):c.380C>T (p.Ser127Phe)

Genes: HNRNPK (heterogeneous nuclear ribonucleoprotein K; minus strand), HNRNPK-AS1 (HNRNPK antisense RNA 1; plus strand). Cytogenetic location: 9q21.32.
Variant type: single nucleotide variant.
Coding change: c.380C>T on transcript NM_031263.4 (MANE Select); coding-DNA position 380, C replaced by T.
Protein change: p.Ser127Phe; replaces serine 127 with phenylalanine.
Molecular consequence: missense variant. On other transcripts: intron variant (2).
Genome position (GRCh38, 1-based): chr9:83,973,924, G>A on the plus strand (C>T on the coding strand, the complement: HNRNPK is on the minus strand). VCF-style: chr9-83973924-G-A. GRCh37 (hg19) VCF-style: chr9-86588839-G-A.
Other names: c.380C>T, p.Ser127Phe (NM_001318188.2, NM_002140.5, NM_031262.4); c.331-525C>T (NM_001318186.2, NM_001318187.2); short protein forms S127F.
Identifiers: ClinVar variation 3723482 (VCV003723482.2).

ClinVar aggregate classification (germline): Uncertain significance (1 of 4 stars; one submission).

gnomAD v4.1: 2 of 1,613,818 alleles (0.00012%); highest among the groups gnomAD compares: Non-Finnish European, 0.00017%; no homozygotes.

Submission:

Labcorp Genetics (formerly Invitae), Labcorp
Classification: Uncertain significance. Last evaluated: 2024-10-24. Review status: criteria provided, single submitter. Criteria: Invitae Variant Classification Sherloc (09022015). Collection method: clinical testing. Allele origin: germline.
Comment: This sequence change replaces serine, which is neutral and polar, with phenylalanine, which is neutral and non-polar, at codon 127 of the HNRNPK protein (p.Ser127Phe). This variant is not present in population databases (gnomAD no frequency). This variant has not been reported in the literature in individuals affected with HNRNPK-related conditions. An algorithm developed to predict the effect of missense changes on protein structure and function (PolyPhen-2) suggests that this variant is likely to be tolerated. In summary, the available evidence is currently insufficient to determine the role of this variant in disease. Therefore, it has been classified as a Variant of Uncertain Significance.